The following is an entry in ClinVar:

ClinVar aggregate classification (germline): Uncertain significance (1 of 4 stars; one submission).

Conditions:
Hereditary cancer-predisposing syndrome. Also called: Neoplastic Syndromes, Hereditary; Hereditary Cancer Syndrome; Hereditary neoplastic syndrome; Tumor predisposition. Identifiers: Orphanet 140162, MedGen C0027672, MeSH D009386, MONDO:0015356.

Submission:

Labcorp Genetics (formerly Invitae), Labcorp
Classification: Uncertain significance for Hereditary cancer-predisposing syndrome. Last evaluated: 2024-01-31. Review status: criteria provided, single submitter. Criteria: Invitae Variant Classification Sherloc (09022015). Collection method: clinical testing. Allele origin: germline.
Comment: This variant, c.3873_3875del, results in the deletion of 1 amino acid(s) of the RAD50 protein (p.Lys1291del), but otherwise preserves the integrity of the reading frame. This variant is not present in population databases (gnomAD no frequency). This variant has not been reported in the literature in individuals affected with RAD50-related conditions. Experimental studies and prediction algorithms are not available or were not evaluated, and the functional significance of this variant is currently unknown. In summary, the available evidence is currently insufficient to determine the role of this variant in disease. Therefore, it has been classified as a Variant of Uncertain Significance.

NM_005732.4(RAD50):c.3873_3875del (p.Lys1291del)

Genes: RAD50 (RAD50 double strand break repair protein; plus strand), TH2LCRR (T helper type 2 locus control region associated RNA; minus strand). Cytogenetic location: 5q31.1.
Variant type: Deletion.
Coding change: c.3873_3875del on transcript NM_005732.4 (MANE Select); coding-DNA positions 3873 to 3875, 3 bases deleted (GAA; older notation c.3873_3875delGAA).
Protein change: p.Lys1291del; deletes lysine 1291.
Molecular consequence: inframe deletion.
Genome position (GRCh38, 1-based): chr5:132,642,298-132,642,300, GAA deleted; deleting any 3 consecutive bases within chr5:132,642,296-132,642,300 gives the same sequence; the c. name uses the placement nearest the transcript's 3' end. VCF-style (leftmost placement, unchanged base first): chr5-132642295-AAAG-A. GRCh37 (hg19) VCF-style: chr5-131977987-AAAG-A.
Other names: short protein forms K1291del.
Identifiers: ClinVar variation 2874944 (VCV002874944.3), dbSNP rs2479440550, ClinGen allele CA2739275069.
Genomic context (GRCh38, chr5:132,642,295, plus strand): 5'-TGAAGATTTTGTGGAGCTTTTAGGACGTTCTGAATATGTGGAGAAATTCTACAGGATTAA[AAAG>A]AACATCGATCAGTGCTCAGAGATTGTGAAATGCAGTGTTAGCTCCCTGGGATTCAATGTT-3'